The following is an entry in ClinVar:

ClinVar aggregate classification (germline): Uncertain significance. Review status: criteria provided, multiple submitters, no conflicts (2 of 4 stars). 2 submissions from 2 submitters: Uncertain significance (2). Last evaluated 2024-12-07.

Conditions:
Erythrocytosis, familial, 3 (ECYT3). Identifiers: Orphanet 247511, MedGen C1853286, MONDO:0012353, OMIM 609820.

Submissions (2):

Labcorp Genetics (formerly Invitae), Labcorp
Classification: Uncertain significance for Erythrocytosis, familial, 3. Last evaluated: 2024-12-07. Review status: criteria provided, single submitter. Criteria: Invitae Variant Classification Sherloc (09022015). Collection method: clinical testing. Allele origin: germline.
Comment: This sequence change replaces lysine, which is basic and polar, with asparagine, which is neutral and polar, at codon 146 of the EGLN1 protein (p.Lys146Asn). This variant is not present in population databases (gnomAD no frequency). This variant has not been reported in the literature in individuals affected with EGLN1-related conditions. ClinVar contains an entry for this variant (Variation ID: 3227717). An algorithm developed to predict the effect of missense changes on protein structure and function (PolyPhen-2) suggests that this variant is likely to be tolerated. In summary, the available evidence is currently insufficient to determine the role of this variant in disease. Therefore, it has been classified as a Variant of Uncertain Significance.

Ambry Genetics
Classification: Uncertain significance. Last evaluated: 2023-02-25. Review status: criteria provided, single submitter. Criteria: Ambry Variant Classification Scheme 2023. Collection method: clinical testing. Allele origin: germline.
Comment: The p.K146N variant (also known as c.438G>C), located in coding exon 1 of the EGLN1 gene, results from a G to C substitution at nucleotide position 438. The lysine at codon 146 is replaced by asparagine, an amino acid with similar properties. This amino acid position is conserved. In addition, this alteration is predicted to be tolerated by in silico analysis. Since supporting evidence is limited at this time, the clinical significance of this alteration remains unclear.

NM_022051.3(EGLN1):c.438G>C (p.Lys146Asn)

Gene: EGLN1 (egl-9 family hypoxia inducible factor 1; minus strand). Cytogenetic location: 1q42.2.
Variant type: single nucleotide variant.
Coding change: c.438G>C on transcript NM_022051.3 (MANE Select); coding-DNA position 438, G replaced by C.
Protein change: p.Lys146Asn; replaces lysine 146 with asparagine.
Molecular consequence: missense variant.
Genome position (GRCh38, 1-based): chr1:231,421,451, C>G on the plus strand (G>C on the coding strand, the complement: EGLN1 is on the minus strand). VCF-style: chr1-231421451-C-G. GRCh37 (hg19) VCF-style: chr1-231557197-C-G.
Other names: c.438G>C, p.Lys146Asn (NM_001377260.1, NM_001377261.1); short protein forms K146N.
Identifiers: ClinVar variation 3227717 (VCV003227717.3), dbSNP rs2527360093, ClinGen allele CA345237019.